The following is an entry in ClinVar:

NM_001271.4(CHD2):c.3646C>A (p.Gln1216Lys)

Gene: CHD2 (chromodomain helicase DNA binding protein 2; plus strand). Cytogenetic location: 15q26.1.
Variant type: single nucleotide variant.
Coding change: c.3646C>A on transcript NM_001271.4 (MANE Select); coding-DNA position 3646, C replaced by A.
Protein change: p.Gln1216Lys; replaces glutamine 1216 with lysine.
Molecular consequence: missense variant.
Genome position (GRCh38, 1-based): chr15:92,997,007, C>A. VCF-style: chr15-92997007-C-A. GRCh37 (hg19) VCF-style: chr15-93540237-C-A.
Other names: short protein forms Q1216K.
Identifiers: ClinVar variation 2757262 (VCV002757262.3), dbSNP rs2505589821, ClinGen allele CA393897759.
Genomic context (GRCh38, chr15:92,997,007, plus strand): 5'-TATTTTTCAGGAAAAGGACCAGGGAAAAGGAGAGGTCCAACAATCAAGATATCCGGAGTT[C>A]AGGTTAATGTGAAATCCATTATCCAACATGAAGAGGAGTTTGAGATGCTGCATAAATCTA-3'
Protein context (NP_001262.3, residues 1206-1226): RGPTIKISGV[Gln1216Lys]VNVKSIIQHE

ClinVar aggregate classification (germline): Uncertain significance (1 of 4 stars; one submission).

Conditions:
Developmental and epileptic encephalopathy 94 (DEE94). Also called: CHD2-Related Neurodevelopmental Disorders; Epileptic encephalopathy, childhood-onset. Identifiers: Orphanet 1942, Orphanet 2382, MedGen C3809278, MONDO:0014150, OMIM 615369.

Submission:

Labcorp Genetics (formerly Invitae), Labcorp
Classification: Uncertain significance for Developmental and epileptic encephalopathy 94. Last evaluated: 2023-12-06. Review status: criteria provided, single submitter. Criteria: Invitae Variant Classification Sherloc (09022015). Collection method: clinical testing. Allele origin: germline.
Comment: This sequence change replaces glutamine, which is neutral and polar, with lysine, which is basic and polar, at codon 1216 of the CHD2 protein (p.Gln1216Lys). This variant is not present in population databases (gnomAD no frequency). This variant has not been reported in the literature in individuals affected with CHD2-related conditions. Advanced modeling of protein sequence and biophysical properties (such as structural, functional, and spatial information, amino acid conservation, physicochemical variation, residue mobility, and thermodynamic stability) performed at Invitae indicates that this missense variant is not expected to disrupt CHD2 protein function with a negative predictive value of 95%. In summary, the available evidence is currently insufficient to determine the role of this variant in disease. Therefore, it has been classified as a Variant of Uncertain Significance.